The following is an entry in ClinVar:

ClinVar aggregate classification (germline): Likely benign (1 of 4 stars; one submission).

gnomAD v4.1: 5,801 of 1,614,002 alleles (0.36%); highest among the groups gnomAD compares: Non-Finnish European, 0.44%; 23 homozygotes.

Submission:

CeGaT Center for Human Genetics Tuebingen
Classification: Likely benign. Last evaluated: 2024-11-01. Review status: criteria provided, single submitter. Criteria: CeGaT Center For Human Genetics Tuebingen Variant Classification Criteria Version 2. Collection method: clinical testing. Allele origin: germline. Affected: yes. Observed: 1 variant allele.
Comment: CFAP97: BP4, BP7, BS2

NM_020827.3(CFAP97):c.1263A>G (p.Leu421=)

Gene: CFAP97 (cilia and flagella associated protein 97; minus strand). Cytogenetic location: 4q35.1.
Variant type: single nucleotide variant.
Coding change: c.1263A>G on transcript NM_020827.3 (MANE Select); coding-DNA position 1263, A replaced by G.
Protein change: p.Leu421=; no amino-acid change (leucine 421 retained).
Molecular consequence: synonymous variant.
Genome position (GRCh38, 1-based): chr4:185,175,843, T>C on the plus strand (A>G on the coding strand, the complement: CFAP97 is on the minus strand). VCF-style: chr4-185175843-T-C. GRCh37 (hg19) VCF-style: chr4-186096997-T-C.
Other names: c.1263A>G, p.Leu421= (NM_001292033.2).
Identifiers: ClinVar variation 3387892 (VCV003387892.14).